The following is an entry in ClinVar:

ClinVar aggregate classification (germline): Uncertain significance (1 of 4 stars; one submission).

Conditions:
Diamond-Blackfan anemia. Also called: Blackfan Diamond syndrome; Aregenerative anemia chronic congenital; Red cell aplasia, pure hereditary; Congenital hypoplastic anemia; Aase syndrome. Identifiers: Orphanet 124, MedGen C1260899, MeSH D029503, MONDO:0015253, HP:0004810.
GATA binding protein 1 related thrombocytopenia with dyserythropoiesis. Also called: GATA1-Related Cytopenia; GATA1-Related X-Linked Cytopenia. Identifiers: MedGen C1845837, MONDO:0100089.

Submission:

Labcorp Genetics (formerly Invitae), Labcorp
Classification: Uncertain significance for GATA binding protein 1 related thrombocytopenia with dyserythropoiesis; Diamond-Blackfan anemia. Last evaluated: 2023-08-10. Review status: criteria provided, single submitter. Criteria: Invitae Variant Classification Sherloc (09022015). Collection method: clinical testing. Allele origin: germline.
Comment: In summary, the available evidence is currently insufficient to determine the role of this variant in disease. Therefore, it has been classified as a Variant of Uncertain Significance. Advanced modeling of protein sequence and biophysical properties (such as structural, functional, and spatial information, amino acid conservation, physicochemical variation, residue mobility, and thermodynamic stability) performed at Invitae indicates that this missense variant is not expected to disrupt GATA1 protein function. This variant has not been reported in the literature in individuals affected with GATA1-related conditions. This variant is not present in population databases (gnomAD no frequency). This sequence change replaces leucine, which is neutral and non-polar, with valine, which is neutral and non-polar, at codon 194 of the GATA1 protein (p.Leu194Val).

NM_002049.4(GATA1):c.580C>G (p.Leu194Val)

Gene: GATA1 (GATA binding protein 1; plus strand). Cytogenetic location: Xp11.23.
Variant type: single nucleotide variant.
Coding change: c.580C>G on transcript NM_002049.4 (MANE Select); coding-DNA position 580, C replaced by G.
Protein change: p.Leu194Val; replaces leucine 194 with valine.
Molecular consequence: missense variant.
Genome position (GRCh38, 1-based): chrX:48,792,203, C>G. VCF-style: chrX-48792203-C-G. GRCh37 (hg19) VCF-style: chrX-48650610-C-G.
Other names: short protein forms L194V.
Identifiers: ClinVar variation 2954020 (VCV002954020.3), dbSNP rs2519344916, ClinGen allele CA412870074.
Genomic context (GRCh38, chrX:48,792,203, plus strand): 5'-TCTCCCACCGGGAGCCCCCTCAATTCAGCAGCCTATTCCTCTCCCAAGCTTCGTGGAACT[C>G]TCCCCCTGCCTCCCTGTGGTGAGAAATTCAAAAAAGGACAGGGAAGTTGAGGTGGGAGGG-3'
Protein context (NP_002040.1, residues 184-204): AYSSPKLRGT[Leu194Val]PLPPCEAREC